The following is an entry in ClinVar:

ClinVar aggregate classification (germline): Benign. Review status: criteria provided, multiple submitters, no conflicts (2 of 4 stars). 4 submissions from 4 submitters: Benign (2). 2 of the submissions do not count toward it. Last evaluated 2019-12-31.

Conditions:
KRT8-related disorder. Also called: KRT8-related condition.

Allele frequency attached by ClinVar (database versions not stated): gnomAD exomes 0.00428; ExAC 0.00476; ESP Exome Variant Server 0.01510; 1000 Genomes Project 0.01538; 1000 Genomes Project 30x 0.01593; gnomAD 0.01667 and 0.01799; TOPMed 0.01883.
gnomAD v4.1: 5,235 of 1,598,104 alleles (0.33%); highest among the groups gnomAD compares: African/African-American, 6%; 156 homozygotes.

Submissions (4):

Labcorp Genetics (formerly Invitae), Labcorp
Classification: Benign. Last evaluated: 2019-12-31. Review status: criteria provided, single submitter. Criteria: Invitae Variant Classification Sherloc (09022015). Collection method: clinical testing. Allele origin: germline.

Breakthrough Genomics
Classification: Benign. Review status: criteria provided, single submitter. Criteria: ACMG Guidelines, 2015. Collection method: not provided. Allele origin: germline. Inheritance: Unknown mechanism. Affected: yes.

PreventionGenetics, part of Exact Sciences
Classification: Benign for KRT8-related condition. Last evaluated: 2019-10-31. Review status: no assertion criteria provided. Collection method: clinical testing. Allele origin: germline. Not counted in ClinVar's aggregate classification.
Comment: This variant is classified as benign based on ACMG/AMP sequence variant interpretation guidelines (Richards et al. 2015 PMID: 25741868, with internal and published modifications).

Epithelial Biology;  Institute of Medical Biology, Singapore
No classification provided. Review status: no classification provided. Collection method: not provided. Allele origin: not provided. Not counted in ClinVar's aggregate classification.

NM_002273.4(KRT8):c.1300G>A (p.Gly434Ser)

Gene: KRT8 (keratin 8; minus strand). Cytogenetic location: 12q13.13.
Variant type: single nucleotide variant.
Coding change: c.1300G>A on transcript NM_002273.4 (MANE Select); coding-DNA position 1300, G replaced by A.
Protein change: p.Gly434Ser; replaces glycine 434 with serine.
Molecular consequence: missense variant. On other transcripts: non-coding transcript variant (1).
Genome position (GRCh38, 1-based): chr12:52,897,580, C>T on the plus strand (G>A on the coding strand, the complement: KRT8 is on the minus strand). VCF-style: chr12-52897580-C-T. GRCh37 (hg19) VCF-style: chr12-53291364-C-T.
Other names: c.1384G>A, p.Gly462Ser (NM_001256282.2); c.1300G>A, p.Gly434Ser (NM_001256293.2); short protein forms G434S, G462S.
Identifiers: ClinVar variation 66528 (VCV000066528.8), dbSNP rs58573614, ClinGen allele CA217254.